The following is an entry in ClinVar:

NM_000075.4(CDK4):c.623T>C (p.Phe208Ser)

Gene: CDK4 (cyclin dependent kinase 4; minus strand). Cytogenetic location: 12q14.1.
Variant type: single nucleotide variant.
Coding change: c.623T>C on transcript NM_000075.4 (MANE Select); coding-DNA position 623, T replaced by C.
Protein change: p.Phe208Ser; replaces phenylalanine 208 with serine.
Molecular consequence: missense variant.
Genome position (GRCh38, 1-based): chr12:57,750,665, A>G on the plus strand (T>C on the coding strand, the complement: CDK4 is on the minus strand). VCF-style: chr12-57750665-A-G. GRCh37 (hg19) VCF-style: chr12-58144448-A-G.
Other names: short protein forms F208S.
Identifiers: ClinVar variation 1752384 (VCV001752384.2), dbSNP rs2540900288, ClinGen allele CA385545546.

ClinVar aggregate classification (germline): Uncertain significance (1 of 4 stars; one submission).

Conditions:
Hereditary cancer-predisposing syndrome. Also called: Hereditary Cancer Syndrome; Hereditary neoplastic syndrome; Neoplastic Syndromes, Hereditary; Tumor predisposition. Identifiers: Orphanet 140162, MedGen C0027672, MeSH D009386, MONDO:0015356.

Submission:

Ambry Genetics
Classification: Uncertain significance for Hereditary cancer-predisposing syndrome. Last evaluated: 2021-12-03. Review status: criteria provided, single submitter. Criteria: Ambry Variant Classification Scheme 2023. Collection method: clinical testing. Allele origin: germline.
Comment: The p.F208S variant (also known as c.623T>C), located in coding exon 4 of the CDK4 gene, results from a T to C substitution at nucleotide position 623. The phenylalanine at codon 208 is replaced by serine, an amino acid with highly dissimilar properties. This amino acid position is highly conserved in available vertebrate species. In addition, this alteration is predicted to be tolerated by in silico analysis. Since supporting evidence is limited at this time, the clinical significance of this alteration remains unclear.